The following is an entry in ClinVar:

ClinVar aggregate classification (germline): Uncertain significance (1 of 4 stars; one submission).

Allele frequency attached by ClinVar (database versions not stated): TOPMed below 0.00001; gnomAD 0.00001; gnomAD exomes 0.00001.

Submission:

Labcorp Genetics (formerly Invitae), Labcorp
Classification: Uncertain significance. Last evaluated: 2022-03-27. Review status: criteria provided, single submitter. Criteria: Invitae Variant Classification Sherloc (09022015). Collection method: clinical testing. Allele origin: germline.
Comment: In summary, the available evidence is currently insufficient to determine the role of this variant in disease. Therefore, it has been classified as a Variant of Uncertain Significance. Algorithms developed to predict the effect of missense changes on protein structure and function are either unavailable or do not agree on the potential impact of this missense change (SIFT: "Tolerated"; PolyPhen-2: "Possibly Damaging"; Align-GVGD: "Class C0"). This variant has not been reported in the literature in individuals affected with NYX-related conditions. The frequency data for this variant in the population databases is considered unreliable, as metrics indicate insufficient coverage at this position in the gnomAD database. This sequence change replaces glycine, which is neutral and non-polar, with arginine, which is basic and polar, at codon 52 of the NYX protein (p.Gly52Arg).

NM_001378477.3(NYX):c.139G>C (p.Gly47Arg)

Gene: NYX (nyctalopin; plus strand). Cytogenetic location: Xp11.4.
Variant type: single nucleotide variant.
Coding change: c.139G>C on transcript NM_001378477.3 (MANE Select); coding-DNA position 139, G replaced by C.
Protein change: p.Gly47Arg; replaces glycine 47 with arginine.
Molecular consequence: missense variant.
Genome position (GRCh38, 1-based): chrX:41,473,607, G>C. VCF-style: chrX-41473607-G-C. GRCh37 (hg19) VCF-style: chrX-41332860-G-C.
Other names: c.139G>C, p.Gly47Arg (NM_022567.3); short protein forms G47R.
Identifiers: ClinVar variation 1466317 (VCV001466317.8), dbSNP rs1458478307, ClinGen allele CA412989486.
Genomic context (GRCh38, chrX:41,473,607, plus strand): 5'-CCCGCCGCCTGCGCCTGCAGCACCGTGGAGCGCGGCTGCTCGGTGCGCTGCGACCGCGCG[G>C]GCCTCCTGCGGGTGCCGGCCGAGCTCCCGTGCGAGGCGGTCTCCATCGACCTGGACCGGA-3'
Protein context (NP_001365406.2, residues 37-57): RGCSVRCDRA[Gly47Arg]LLRVPAELPC